The following is an entry in ClinVar:

NM_001042545.2(LTBP4):c.1611G>C (p.Glu537Asp)

Gene: LTBP4 (latent transforming growth factor beta binding protein 4; plus strand). Cytogenetic location: 19q13.2.
Variant type: single nucleotide variant.
Coding change: c.1611G>C on transcript NM_001042545.2 (MANE Select); coding-DNA position 1611, G replaced by C.
Protein change: p.Glu537Asp; replaces glutamic acid 537 with aspartic acid.
Molecular consequence: missense variant.
Genome position (GRCh38, 1-based): chr19:40,609,798, G>C. VCF-style: chr19-40609798-G-C. GRCh37 (hg19) VCF-style: chr19-41115704-G-C.
Other names: c.1812G>C, p.Glu604Asp (NM_001042544.1); c.1701G>C, p.Glu567Asp (NM_003573.2); short protein forms E537D, E567D, E604D.
Identifiers: ClinVar variation 2582334 (VCV002582334.3), dbSNP rs761168690, ClinGen allele CA9448373.

ClinVar aggregate classification (germline): Uncertain significance. Review status: criteria provided, multiple submitters, no conflicts (2 of 4 stars). 3 submissions from 3 submitters: Uncertain significance (2). 1 of the submissions does not count toward it. Last evaluated 2024-08-27.

Conditions:
LTBP4-related disorder. Also called: LTBP4-related condition.
Inborn genetic diseases. Identifiers: MedGen C0950123, MeSH D030342.
Cutis laxa with severe pulmonary, gastrointestinal and urinary anomalies. Also called: URBAN-RIFKIN-DAVIS SYNDROME; Cutis laxa, autosomal recessive, type IC; LTBP4-Related Cutis Laxa. Identifiers: Orphanet 221145, MedGen C2750804, MONDO:0013170, OMIM 613177. Disease mechanism: loss of function.

Allele frequency attached by ClinVar (database versions not stated): ExAC 0.00001; gnomAD 0.00001; gnomAD exomes 0.00002; TOPMed 0.00002.

Submissions (3):

Ambry Genetics
Classification: Uncertain significance for Inborn genetic diseases. Last evaluated: 2024-08-27. Review status: criteria provided, single submitter. Criteria: Ambry Variant Classification Scheme 2023. Collection method: clinical testing. Allele origin: germline.

Baylor Genetics
Classification: Uncertain significance for Cutis laxa with severe pulmonary, gastrointestinal and urinary anomalies. Last evaluated: 2023-04-27. Review status: criteria provided, single submitter. Criteria: ACMG Guidelines, 2015. Collection method: clinical testing. Allele origin: unknown.

PreventionGenetics, part of Exact Sciences
Classification: Uncertain significance for LTBP4-related condition. Last evaluated: 2024-08-21. Review status: no assertion criteria provided. Collection method: clinical testing. Allele origin: germline. Not counted in ClinVar's aggregate classification.
Comment: The LTBP4 c.1701G>C variant is predicted to result in the amino acid substitution p.Glu567Asp. To our knowledge, this variant has not been reported in the literature. This variant is reported in 0.026% of alleles in individuals of Latino descent in gnomAD. At this time, the clinical significance of this variant is uncertain due to the absence of conclusive functional and genetic evidence.